The following is an entry in ClinVar:

NM_006206.6(PDGFRA):c.1506G>A (p.Leu502=)

Gene: PDGFRA (platelet derived growth factor receptor alpha; plus strand). Cytogenetic location: 4q12.
Variant type: single nucleotide variant.
Coding change: c.1506G>A on transcript NM_006206.6 (MANE Select); coding-DNA position 1506, G replaced by A.
Protein change: p.Leu502=; no amino-acid change (leucine 502 retained).
Molecular consequence: synonymous variant.
Genome position (GRCh38, 1-based): chr4:54,273,678, G>A. VCF-style: chr4-54273678-G-A. GRCh37 (hg19) VCF-style: chr4-55139845-G-A.
Other names: c.1506G>A, p.Leu502= (NM_001347827.2, NM_001347829.2); c.1581G>A, p.Leu527= (NM_001347828.2); c.1545G>A, p.Leu515= (NM_001347830.2).
Identifiers: ClinVar variation 4875930 (VCV004875930.1).

ClinVar aggregate classification (germline): Benign (1 of 4 stars; one submission).

Conditions:
Polyps, multiple and recurrent inflammatory fibroid, gastrointestinal. Identifiers: MedGen C5193005, MONDO:0008285, OMIM 175510.

gnomAD v4.1: 2 of 1,614,054 alleles (0.00012%); highest among the groups gnomAD compares: Non-Finnish European, 0.00017%; no homozygotes.

Submission:

Myriad Genetics, Inc.
Classification: Benign for Polyps, multiple and recurrent inflammatory fibroid, gastrointestinal. Last evaluated: 2026-06-17. Review status: criteria provided, single submitter. Criteria: Myriad Autosomal Dominant, Autosomal Recessive and X-Linked Classification Criteria (2023). Collection method: clinical testing. Allele origin: unknown.
Comment: This variant is considered benign. This variant is a silent/synonymous amino acid change and it is not expected to impact splicing.